The following is an entry in ClinVar:

ClinVar aggregate classification (germline): Uncertain significance. Review status: criteria provided, multiple submitters, no conflicts (2 of 4 stars). 2 submissions from 2 submitters: Uncertain significance (2). Last evaluated 2024-01-26.

Conditions:
Fanconi anemia (FA). Also called: Fanconi's anemia. Identifiers: Orphanet 84, MedGen C0015625, MeSH D005199, MONDO:0019391.

Submissions (2):

Labcorp Genetics (formerly Invitae), Labcorp
Classification: Uncertain significance for Fanconi anemia. Last evaluated: 2024-01-26. Review status: criteria provided, single submitter. Criteria: Invitae Variant Classification Sherloc (09022015). Collection method: clinical testing. Allele origin: germline.
Comment: This variant, c.164_166del, results in the deletion of 1 amino acid(s) of the FANCM protein (p.Asp55del), but otherwise preserves the integrity of the reading frame. This variant is present in population databases (no rsID available, gnomAD 0.006%). This variant has not been reported in the literature in individuals affected with FANCM-related conditions. ClinVar contains an entry for this variant (Variation ID: 1372596). Experimental studies and prediction algorithms are not available or were not evaluated, and the functional significance of this variant is currently unknown. In summary, the available evidence is currently insufficient to determine the role of this variant in disease. Therefore, it has been classified as a Variant of Uncertain Significance.

Revvity Omics, Revvity
Classification: Uncertain significance. Last evaluated: 2019-06-26. Review status: criteria provided, single submitter. Criteria: ACMG Guidelines, 2015. Collection method: clinical testing. Allele origin: germline.

NM_020937.4(FANCM):c.161ATG[1] (p.Asp55del)

Gene: FANCM (FA complementation group M; plus strand). Cytogenetic location: 14q21.2.
Variant type: Microsatellite.
Coding change: c.161ATG[1] on transcript NM_020937.4 (MANE Select); one copy of the 3-base unit ATG starting at c.161; the reference has two copies in a row; one copy, 3 bases deleted; also written c.164_166del.
Protein change: p.Asp55del; deletes aspartic acid 55.
Molecular consequence: inframe deletion.
Genome position (GRCh38, 1-based): chr14:45,136,195-45,136,197, ATG deleted; deleting any 3 consecutive bases within chr14:45,136,191-45,136,197 gives the same sequence; the position shown is the placement nearest the transcript's 3' end. VCF-style (leftmost placement, unchanged base first): chr14-45136190-CGAT-C. GRCh37 (hg19) VCF-style: chr14-45605393-CGAT-C.
Other names: c.164_166del (NM_020937.2); c.161ATG[1], p.Asp55del (NM_001308133.2, NM_001308134.2); short protein forms D55del.
Identifiers: ClinVar variation 1372596 (VCV001372596.6), dbSNP rs1566716075, ClinGen allele CA614273447.